The following is an entry in ClinVar:

NM_005475.3(SH2B3):c.68C>T (p.Pro23Leu)

Gene: SH2B3 (SH2B adaptor protein 3; plus strand). Cytogenetic location: 12q24.12.
Variant type: single nucleotide variant.
Coding change: c.68C>T on transcript NM_005475.3 (MANE Select); coding-DNA position 68, C replaced by T.
Protein change: p.Pro23Leu; replaces proline 23 with leucine.
Molecular consequence: missense variant.
Genome position (GRCh38, 1-based): chr12:111,418,213, C>T. VCF-style: chr12-111418213-C-T. GRCh37 (hg19) VCF-style: chr12-111856017-C-T.
Other names: short protein forms P23L.
Identifiers: ClinVar variation 5029473 (VCV005029473.1).
Genomic context (GRCh38, chr12:111,418,213, plus strand): 5'-GGCCTGCCCTGCAGCCCTCCTCGCCCTCTTCCGCGCCCTCAGCCTCCCCGGCGGCGGCCC[C>T]GCGGGGCTGGAGCGAGTTCTGTGAGTTGCACGCCGTAGCGGCGGCCCGGGAGCTGGCCCG-3'
Protein context (NP_005466.1, residues 13-33): SAPSASPAAA[Pro23Leu]RGWSEFCELH

ClinVar aggregate classification (germline): Uncertain significance (1 of 4 stars; one submission).

Conditions:
Inborn genetic diseases. Identifiers: MedGen C0950123, MeSH D030342.

gnomAD v4.1: 3 of 1,580,390 alleles (0.00019%); highest among the groups gnomAD compares: South Asian, 0.0011%; no homozygotes.

Submission:

Ambry Genetics
Classification: Uncertain significance for Inborn genetic diseases. Last evaluated: 2026-07-14. Review status: criteria provided, single submitter. Criteria: Ambry Variant Classification Scheme 2023. Collection method: clinical testing. Allele origin: germline.
Comment: The p.P23L variant (also known as c.68C>T), located in coding exon 1 of the SH2B3 gene, results from a C to T substitution at nucleotide position 68. The proline at codon 23 is replaced by leucine, an amino acid with similar properties. This amino acid position is conserved. In addition, this alteration is predicted to be tolerated by in silico analysis. Based on the available evidence, the clinical significance of this variant remains unclear.